The following is an entry in ClinVar:

NM_001378454.1(ALMS1):c.12299-1G>C

Gene: ALMS1 (ALMS1 centrosome and basal body associated protein; plus strand). Cytogenetic location: 2p13.1.
Variant type: single nucleotide variant.
Coding change: c.12299-1G>C on transcript NM_001378454.1 (MANE Select); the canonical splice acceptor site of the intron before coding-DNA position 12299, G replaced by C.
Molecular consequence: splice acceptor variant.
Genome position (GRCh38, 1-based): chr2:73,603,240, G>C. VCF-style: chr2-73603240-G-C. GRCh37 (hg19) VCF-style: chr2-73830367-G-C.
Other names: c.12299-1G>C (NM_015120.4).
Identifiers: ClinVar variation 2823503 (VCV002823503.3), dbSNP rs1313101326, ClinGen allele CA347270972.
Genomic context (GRCh38, chr2:73,603,240, plus strand): 5'-TTGCACCACACCCTCTGGGTTAAGTCACTGTCCACTGAAAACCCTTTCTTCTCTTGCCTA[G>C]TCTTCCTGGCTATCCAGAAGAACAAGCCTATCAGCAAGAAGGAAATGATTCAGAGGTCCA-3'

ClinVar aggregate classification (germline): Likely pathogenic (1 of 4 stars; one submission).

Conditions:
Alstrom syndrome (ALMS). Identifiers: Orphanet 64, MedGen C0268425, MONDO:0008763, OMIM 203800.

Submission:

Labcorp Genetics (formerly Invitae), Labcorp
Classification: Likely pathogenic for Alstrom syndrome. Last evaluated: 2022-12-23. Review status: criteria provided, single submitter. Criteria: Invitae Variant Classification Sherloc (09022015). Collection method: clinical testing. Allele origin: germline.
Comment: In summary, the currently available evidence indicates that the variant is pathogenic, but additional data are needed to prove that conclusively. Therefore, this variant has been classified as Likely Pathogenic. Algorithms developed to predict the effect of sequence changes on RNA splicing suggest that this variant may disrupt the consensus splice site. This variant has not been reported in the literature in individuals affected with ALMS1-related conditions. This variant is not present in population databases (gnomAD no frequency). This sequence change affects an acceptor splice site in intron 20 of the ALMS1 gene. It is expected to disrupt RNA splicing. Variants that disrupt the donor or acceptor splice site typically lead to a loss of protein function (PMID: 16199547), and loss-of-function variants in ALMS1 are known to be pathogenic (PMID: 17594715).

Literature cited by the submitters: PubMed 16199547; PubMed 17594715.